The following is an entry in ClinVar:

NM_012463.4(ATP6V0A2):c.648_648+1del

Gene: ATP6V0A2 (ATPase H+ transporting V0 subunit a2; plus strand). Cytogenetic location: 12q24.31.
Variant type: Deletion.
Coding change: c.648_648+1del on transcript NM_012463.4 (MANE Select); coding-DNA position 648 through the canonical splice donor site of the intron after coding-DNA position 648, 2 bases deleted (AG; older notation c.648_648+1delAG).
Molecular consequence: splice donor variant.
Genome position (GRCh38, 1-based): chr12:123,727,909-123,727,910, AG deleted. VCF-style (leftmost placement, unchanged base first): chr12-123727908-CAG-C. GRCh37 (hg19) VCF-style: chr12-124212455-CAG-C.
Identifiers: ClinVar variation 4990557 (VCV004990557.1).
Genomic context (GRCh38, chr12:123,727,908, plus strand): 5'-GCAAAGGGTACACCATCGTGTCCTATGCAGAACTGGATGAATCCCTTGAAGACCCTGAAA[CAG>C]TGAGTAAATGTCACCATCACCTTTTAGCAATGACGGACTAACAGCAGAGTTGGAGATATG-3'

ClinVar aggregate classification (germline): Likely pathogenic (1 of 4 stars; one submission).

Conditions:
ATP6V0A2-related disorder. Also called: ATP6V0A2-related condition.

Submission:

PreventionGenetics, part of Exact Sciences
Classification: Likely pathogenic for ATP6V0A2-related condition. Last evaluated: 2025-03-14. Review status: criteria provided, single submitter. Criteria: ACMG Guidelines, 2015. Collection method: clinical testing. Allele origin: germline.
Comment: The ATP6V0A2 c.648_648+1delAG variant is predicted to result in a deletion affecting a canonical splice site. To our knowledge, this variant has not been reported in the literature or in a large population database, indicating this variant is rare.  Other variants disrupting splicing have been reported upstream and downstream of this position in individuals with autosomal recessive cutis laxa phenotypes (HGMD, Human Gene Mutation Database). Taken together, we interpret this variant as likely pathogenic.